The following is an entry in ClinVar:

NM_015909.4(NBAS):c.619del (p.Arg207fs)

Gene: NBAS (NBAS subunit of NRZ tethering complex; minus strand). Cytogenetic location: 2p24.3.
Variant type: Deletion.
Coding change: c.619del on transcript NM_015909.4 (MANE Select); coding-DNA position 619, one base deleted (C; older notation c.619delC).
Protein change: p.Arg207fs; shifts the reading frame from arginine 207.
Molecular consequence: frameshift variant. On other transcripts: non-coding transcript variant (1).
Genome position (GRCh38, 1-based): chr2:15,536,446, G deleted on the plus strand (C on the coding strand, the reverse complement: NBAS is on the minus strand); the first of 2 consecutive G bases (chr2:15,536,446-15,536,447); deleting either gives the same sequence. VCF-style (leftmost placement, unchanged base first): chr2-15536445-CG-C. GRCh37 (hg19) VCF-style: chr2-15676569-CG-C.
Other names: short protein forms R207fs.
Identifiers: ClinVar variation 2829552 (VCV002829552.3), dbSNP rs2527938548, ClinGen allele CA2739274144.
Genomic context (GRCh38, chr2:15,536,445, plus strand): 5'-ATTTCAAATATGGCTTCCAAAGCACATTTTTACCTTACAAGGTAACTTCTAAGTTCTCCT[CG>C]GTAATTGATGACCAGGAGTTCTGCAGACCACTGTGCACTTGCTTTATATTCTAAAAATAT-3'

ClinVar aggregate classification (germline): Pathogenic (1 of 4 stars; one submission).

Submission:

Labcorp Genetics (formerly Invitae), Labcorp
Classification: Pathogenic. Last evaluated: 2023-02-13. Review status: criteria provided, single submitter. Criteria: Invitae Variant Classification Sherloc (09022015). Collection method: clinical testing. Allele origin: germline.
Comment: This variant is not present in population databases (gnomAD no frequency). This sequence change creates a premature translational stop signal (p.Arg207Glufs*9) in the NBAS gene. It is expected to result in an absent or disrupted protein product. Loss-of-function variants in NBAS are known to be pathogenic (PMID: 26073778, 26541327, 27789416, 28031453). This variant has not been reported in the literature in individuals affected with NBAS-related conditions. For these reasons, this variant has been classified as Pathogenic.

Literature cited by the submitters: PubMed 26073778; PubMed 26541327; PubMed 27789416; PubMed 28031453.